The following is an entry in ClinVar:

NM_000059.4(BRCA2):c.9257-4643G>A

Gene: BRCA2 (BRCA2 DNA repair associated; plus strand). Cytogenetic location: 13q13.1.
Variant type: single nucleotide variant.
Coding change: c.9257-4643G>A on transcript NM_000059.4 (MANE Select); 4643 bases into the intron before coding-DNA position 9257, G replaced by A.
Molecular consequence: intron variant.
Genome position (GRCh38, 1-based): chr13:32,390,046, G>A. VCF-style: chr13-32390046-G-A. GRCh37 (hg19) VCF-style: chr13-32964183-G-A.
Other names: IVS 24-4643G>A.
Identifiers: ClinVar variation 209888 (VCV000209888.1), dbSNP rs141070283, ClinGen allele CA276856.

ClinVar aggregate classification (germline): Benign (3 of 4 stars; one submission).

Conditions:
Breast-ovarian cancer, familial, susceptibility to, 2 (BROVCA2). Also called: BRCA2 Hereditary Breast and Ovarian Cancer. Identifiers: Orphanet 145, MedGen C2675520, MONDO:0012933, OMIM 612555. Disease mechanism: loss of function.

Allele frequency attached by ClinVar (database versions not stated): 1000 Genomes Project 30x 0.00078; 1000 Genomes Project 0.00080; gnomAD 0.00233 and 0.00250; TOPMed 0.00268.
gnomAD v4.1: 350 of 152,122 alleles (0.23%); highest among the groups gnomAD compares: African/African-American, 0.77%; 1 homozygote.

Submission:

Evidence-based Network for the Interpretation of Germline Mutant Alleles (ENIGMA)
Classification: Benign for Breast-ovarian cancer, familial 2. Last evaluated: 2015-01-12. Review status: reviewed by expert panel. Criteria: ENIGMA BRCA1/2 Classification Criteria (2015). Collection method: curation. Allele origin: germline.
Comment: Class 1 not pathogenic based on frequency >1% in an outbred sampleset. Frequency 0.01423 (African), derived from 1000 genomes (2012-04-30).